The following is an entry in ClinVar:

NM_144628.4(TBC1D20):c.1040G>A (p.Gly347Glu)

Gene: TBC1D20 (TBC1 domain family member 20; minus strand). Cytogenetic location: 20p13.
Variant type: single nucleotide variant.
Coding change: c.1040G>A on transcript NM_144628.4 (MANE Select); coding-DNA position 1040, G replaced by A.
Protein change: p.Gly347Glu; replaces glycine 347 with glutamic acid.
Molecular consequence: missense variant. On other transcripts: non-coding transcript variant (1).
Genome position (GRCh38, 1-based): chr20:438,758, C>T on the plus strand (G>A on the coding strand, the complement: TBC1D20 is on the minus strand). VCF-style: chr20-438758-C-T. GRCh37 (hg19) VCF-style: chr20-419402-C-T.
Other names: c.1040G>A (NM_144628.2); short protein forms G347E.
Identifiers: ClinVar variation 1723551 (VCV001723551.4), dbSNP rs560369253, ClinGen allele CA9723460.

ClinVar aggregate classification (germline): Uncertain significance. Review status: criteria provided, multiple submitters, no conflicts (2 of 4 stars). 2 submissions from 2 submitters: Uncertain significance (2). Last evaluated 2023-05-03.

Conditions:
Inborn genetic diseases. Identifiers: MedGen C0950123, MeSH D030342.

Allele frequency attached by ClinVar (database versions not stated): gnomAD exomes 0.00001; gnomAD 0.00003; ExAC 0.00004; TOPMed 0.00004; 1000 Genomes Project 30x 0.00016; 1000 Genomes Project 0.00020.

Submissions (2):

Ambry Genetics
Classification: Uncertain significance for Inborn genetic diseases. Last evaluated: 2023-05-03. Review status: criteria provided, single submitter. Criteria: Ambry Variant Classification Scheme 2023. Collection method: clinical testing. Allele origin: germline.

GeneDx
Classification: Uncertain significance. Last evaluated: 2022-05-13. Review status: criteria provided, single submitter. Criteria: GeneDx Variant Classification Process June 2021. Collection method: clinical testing. Allele origin: germline. Affected: yes.
Comment: In silico analysis supports that this missense variant does not alter protein structure/function; Has not been previously published as pathogenic or benign to our knowledge